The following is an entry in ClinVar:

NM_015978.3(TNNI3K):c.1727A>G (p.Tyr576Cys)

Genes: FPGT-TNNI3K (FPGT-TNNI3K readthrough; plus strand), TNNI3K (TNNI3 interacting kinase; plus strand). Cytogenetic location: 1p31.1.
Variant type: single nucleotide variant.
Coding change: c.1727A>G on transcript NM_015978.3 (MANE Select); coding-DNA position 1727, A replaced by G.
Protein change: p.Tyr576Cys; replaces tyrosine 576 with cysteine.
Molecular consequence: missense variant.
Genome position (GRCh38, 1-based): chr1:74,370,347, A>G. VCF-style: chr1-74370347-A-G. GRCh37 (hg19) VCF-style: chr1-74836031-A-G.
Other names: c.2030A>G, p.Tyr677Cys (NM_001112808.3, NM_001199327.2); short protein forms Y576C, Y677C.
Identifiers: ClinVar variation 3709747 (VCV003709747.2).

ClinVar aggregate classification (germline): Uncertain significance (1 of 4 stars; one submission).

Submission:

Labcorp Genetics (formerly Invitae), Labcorp
Classification: Uncertain significance. Last evaluated: 2025-01-11. Review status: criteria provided, single submitter. Criteria: Invitae Variant Classification Sherloc (09022015). Collection method: clinical testing. Allele origin: germline.
Comment: This sequence change replaces tyrosine, which is neutral and polar, with cysteine, which is neutral and slightly polar, at codon 576 of the TNNI3K protein (p.Tyr576Cys). This variant is not present in population databases (gnomAD no frequency). This variant has not been reported in the literature in individuals affected with TNNI3K-related conditions. Invitae Evidence Modeling of protein sequence and biophysical properties (such as structural, functional, and spatial information, amino acid conservation, physicochemical variation, residue mobility, and thermodynamic stability) has been performed for this missense variant. However, the output from this modeling did not meet the statistical confidence thresholds required to predict the impact of this variant on TNNI3K protein function. In summary, the available evidence is currently insufficient to determine the role of this variant in disease. Therefore, it has been classified as a Variant of Uncertain Significance.